The following is an entry in ClinVar:

ClinVar aggregate classification (germline): Pathogenic (1 of 4 stars; one submission).

Conditions:
Hereditary cancer-predisposing syndrome. Also called: Neoplastic Syndromes, Hereditary; Tumor predisposition; Hereditary neoplastic syndrome; Hereditary Cancer Syndrome. Identifiers: Orphanet 140162, MedGen C0027672, MeSH D009386, MONDO:0015356.

Submission:

Ambry Genetics
Classification: Pathogenic for Hereditary cancer-predisposing syndrome. Last evaluated: 2023-12-29. Review status: criteria provided, single submitter. Criteria: Ambry Variant Classification Scheme 2023. Collection method: clinical testing. Allele origin: germline.
Comment: The c.5513delA pathogenic mutation, located in coding exon 10 of the BRCA2 gene, results from a deletion of one nucleotide at nucleotide position 5513, causing a translational frameshift with a predicted alternate stop codon (p.E1838Gfs*2). This variant is considered to be rare based on population cohorts in the Genome Aggregation Database (gnomAD). This alteration is expected to result in loss of function by premature protein truncation or nonsense-mediated mRNA decay. As such, this alteration is interpreted as a disease-causing mutation.

NM_000059.4(BRCA2):c.5513del (p.Glu1838fs)

Gene: BRCA2 (BRCA2 DNA repair associated; plus strand). Cytogenetic location: 13q13.1.
Variant type: Deletion.
Coding change: c.5513del on transcript NM_000059.4 (MANE Select); coding-DNA position 5513, one base deleted (A; older notation c.5513delA).
Protein change: p.Glu1838fs; shifts the reading frame from glutamic acid 1838.
Molecular consequence: frameshift variant. On other transcripts: non-coding transcript variant (1), intron variant (2).
Genome position (GRCh38, 1-based): chr13:32,339,868, A deleted. VCF-style (leftmost placement, unchanged base first): chr13-32339867-GA-G. GRCh37 (hg19) VCF-style: chr13-32914004-GA-G.
Other names: c.5513del, p.Glu1838fs (NM_001406719.1, NM_001406720.1); c.1910-4690del (NM_001406721.1); c.425-4690del (NM_001406722.1); short protein forms E1838fs.
Identifiers: ClinVar variation 3227486 (VCV003227486.1), dbSNP rs2548530991, ClinGen allele CA2825002160.
Genomic context (GRCh38, chr13:32,339,867, plus strand): 5'-TCACCCTGCAAAAATAAAAATGCAGCCATTAAATTGTCCATATCTAATAGTAATAATTTT[GA>G]GGTAGGGCCACCTGCATTTAGGATAGCCAGTGGTAAAATCGTTTGTGTTTCACATGAAAC-3'